The following is an entry in ClinVar:

ClinVar aggregate classification (germline): Uncertain significance (1 of 4 stars; one submission).

Submission:

Labcorp Genetics (formerly Invitae), Labcorp
Classification: Uncertain significance. Last evaluated: 2023-11-28. Review status: criteria provided, single submitter. Criteria: Invitae Variant Classification Sherloc (09022015). Collection method: clinical testing. Allele origin: germline.
Comment: This sequence change creates a premature translational stop signal (p.Leu143Thrfs*27) in the ARL3 gene. While this is not anticipated to result in nonsense mediated decay, it is expected to disrupt the last 40 amino acid(s) of the ARL3 protein. This variant is not present in population databases (gnomAD no frequency). This premature translational stop signal has been observed in individual(s) with clinical features of ARL3-related conditions (Invitae). ClinVar contains an entry for this variant (Variation ID: 2104568). Experimental studies and prediction algorithms are not available or were not evaluated, and the functional significance of this variant is currently unknown. In summary, the available evidence is currently insufficient to determine the role of this variant in disease. Therefore, it has been classified as a Variant of Uncertain Significance.

NM_004311.4(ARL3):c.427_430del (p.Leu143fs)

Gene: ARL3 (ARF like GTPase 3; minus strand). Cytogenetic location: 10q24.32.
Variant type: Deletion.
Coding change: c.427_430del on transcript NM_004311.4 (MANE Select); coding-DNA positions 427 to 430, 4 bases deleted (CTGA; older notation c.427_430delCTGA).
Protein change: p.Leu143fs; shifts the reading frame from leucine 143.
Molecular consequence: frameshift variant.
Genome position (GRCh38, 1-based): chr10:102,685,887-102,685,890, TCAG deleted on the plus strand (CTGA on the coding strand, the reverse complement: ARL3 is on the minus strand); deleting any 4 consecutive bases within chr10:102,685,887-102,685,892 gives the same sequence; the c. name uses the placement nearest the transcript's 3' end. VCF-style (leftmost placement, unchanged base first): chr10-102685886-TTCAG-T. GRCh37 (hg19) VCF-style: chr10-104445643-TTCAG-T.
Other names: short protein forms L143fs.
Identifiers: ClinVar variation 2104568 (VCV002104568.4), dbSNP rs2492951123, ClinGen allele CA2580081181.